The following is an entry in ClinVar:

NM_013254.4(TBK1):c.1505A>G (p.His502Arg)

Gene: TBK1 (TANK binding kinase 1; plus strand). Cytogenetic location: 12q14.2.
Variant type: single nucleotide variant.
Coding change: c.1505A>G on transcript NM_013254.4 (MANE Select); coding-DNA position 1505, A replaced by G.
Protein change: p.His502Arg; replaces histidine 502 with arginine.
Molecular consequence: missense variant.
Genome position (GRCh38, 1-based): chr12:64,490,103, A>G. VCF-style: chr12-64490103-A-G. GRCh37 (hg19) VCF-style: chr12-64883883-A-G.
Other names: c.1505A>G, p.His502Arg (LRG_1306t1); short protein forms H502R.
Identifiers: ClinVar variation 655436 (VCV000655436.10), dbSNP rs1206925876, ClinGen allele CA385603263.

ClinVar aggregate classification (germline): Uncertain significance. Review status: criteria provided, multiple submitters, no conflicts (2 of 4 stars). 2 submissions from 2 submitters: Uncertain significance (2). Last evaluated 2023-01-23.

Conditions:
Inborn genetic diseases. Identifiers: MedGen C0950123, MeSH D030342.
Frontotemporal dementia and/or amyotrophic lateral sclerosis 4. Also called: FTDALS4. Identifiers: Orphanet 275872, MedGen C4225325, MONDO:0014641, OMIM 616439.

Allele frequency attached by ClinVar (database versions not stated): gnomAD exomes below 0.00001 and 0.00001; gnomAD 0.00001; TOPMed 0.00001.
gnomAD v4.1: 11 of 1,610,918 alleles (0.00068%); highest among the groups gnomAD compares: Middle Eastern, 0.017%; no homozygotes.

Submissions (2):

Ambry Genetics
Classification: Uncertain significance for Inborn genetic diseases. Last evaluated: 2023-01-23. Review status: criteria provided, single submitter. Criteria: Ambry Variant Classification Scheme 2023. Collection method: clinical testing. Allele origin: germline.

Labcorp Genetics (formerly Invitae), Labcorp
Classification: Uncertain significance for Frontotemporal dementia and/or amyotrophic lateral sclerosis 4. Last evaluated: 2018-11-27. Review status: criteria provided, single submitter. Criteria: Invitae Variant Classification Sherloc (09022015). Collection method: clinical testing. Allele origin: germline.
Comment: This sequence change replaces histidine with arginine at codon 502 of the TBK1 protein (p.His502Arg). The histidine residue is highly conserved and there is a small physicochemical difference between histidine and arginine. This variant is not present in population databases (ExAC no frequency). This variant has not been reported in the literature in individuals with TBK1-related conditions. Algorithms developed to predict the effect of missense changes on protein structure and function output the following: SIFT: "Deleterious"; PolyPhen-2: "Benign"; Align-GVGD: "Class C0". The arginine amino acid residue is found in multiple mammalian species, suggesting that this missense change does not adversely affect protein function. These predictions have not been confirmed by published functional studies and their clinical significance is uncertain. In summary, the available evidence is currently insufficient to determine the role of this variant in disease. Therefore, it has been classified as a Variant of Uncertain Significance.